The following is an entry in ClinVar:

NM_002485.5(NBN):c.511A>G (p.Ile171Val)

Gene: NBN (nibrin; minus strand). Cytogenetic location: 8q21.3.
Variant type: single nucleotide variant.
Coding change: c.511A>G on transcript NM_002485.5 (MANE Select); coding-DNA position 511, A replaced by G.
Protein change: p.Ile171Val; replaces isoleucine 171 with valine.
Molecular consequence: missense variant.
Genome position (GRCh38, 1-based): chr8:89,978,293, T>C on the plus strand (A>G on the coding strand, the complement: NBN is on the minus strand). VCF-style: chr8-89978293-T-C. GRCh37 (hg19) VCF-style: chr8-90990521-T-C.
Other names: p.I171V:ATT>GTT; c.265A>G (NM_001024688.2); c.265A>G, p.Ile89Val (NM_001024688.3); short protein forms I171V, I89V.
Identifiers: ClinVar variation 6946 (VCV000006946.105), dbSNP rs61754966, ClinGen allele CA160981.
Genomic context (GRCh38, chr8:89,978,293, plus strand): 5'-GAGGCTGCTTCTTGGACTCAACTGCTTTCAGGAATTCAGTAAAATATTCTGGCTTTACAA[T>C]TGGACGTCCACAAATGAGTGCACATATTGTCTACAATGAAGAAAACATGTGAATATATAT-3'
Protein context (NP_002476.2, residues 161-181): TICALICGRP[Ile171Val]VKPEYFTEFL

ClinVar aggregate classification (germline): Conflicting classifications of pathogenicity. Review status: criteria provided, conflicting classifications (1 of 4 stars). 33 submissions from 31 submitters: Uncertain significance (16); Benign (4); Likely benign (8). 5 of the submissions do not count toward it. Last evaluated 2026-09-01.

Conditions:
NBN-related disorder. Also called: NBN-related condition.
Pediatric high-grade glioma. Identifiers: MedGen C5908419, MONDO:1010030.
Diffuse midline glioma, H3 K27-altered. Identifiers: MedGen C5669877, MONDO:1060171.
Hereditary cancer. Identifiers: MedGen C1333600.
Hereditary cancer-predisposing syndrome. Also called: Hereditary neoplastic syndrome; Hereditary Cancer Syndrome; Neoplastic Syndromes, Hereditary; Tumor predisposition. Identifiers: Orphanet 140162, MedGen C0027672, MeSH D009386, MONDO:0015356.
Hereditary breast ovarian cancer syndrome. Also called: Hereditary breast and ovarian cancer syndrome; Hereditary breast and ovarian cancer syndrome (HBOC); Breast and ovarian cancer; Hereditary breast and/or ovarian cancer syndrome; BRCA1- and BRCA2-Associated Hereditary Breast and Ovarian Cancer; Hereditary breast and ovarian cancer. Identifiers: Orphanet 145, MedGen C0677776, MeSH D061325, MONDO:0003582. Disease mechanism: loss of function.
Acute lymphoid leukemia (ALL). Also called: Lymphoblastic leukemia; Acute lymphoblastic leukemia; Acute lymphocytic leukemia; Leukemia, acute lymphoblastic, somatic. Identifiers: Orphanet 513, MedGen C0023449, MONDO:0004967, OMIM 613065, HP:0006721.
Leukemia, acute lymphoblastic, susceptibility to. Identifiers: MedGen C2748424.
Aplastic anemia. Identifiers: Orphanet 182040, Orphanet 88, MedGen C0002874, MONDO:0015909, OMIM 609135, HP:0001915.
Microcephaly, normal intelligence and immunodeficiency (NBS). Also called: Ataxia telangiectasia variant V1; SEEMANOVA SYNDROME II; IMMUNODEFICIENCY, MICROCEPHALY, AND CHROMOSOMAL INSTABILITY; Microcephaly with normal intelligence immunodeficiency and lymphoreticular malignancies; Nonsyndromal microcephaly autosomal recessive with normal intelligence; Seemanova syndrome 2. Identifiers: Orphanet 647, MedGen C0398791, MONDO:0009623, OMIM 251260.
Carcinoma of colon (CRC). Also called: Colon carcinoma; Colonic carcinoma. Identifiers: MedGen C0699790, MONDO:0002032.
Breast carcinoma. Also called: Carcinoma of breast. Identifiers: MedGen C0678222, MONDO:0004989, HP:0003002.

Allele frequency attached by ClinVar (database versions not stated): 1000 Genomes Project 30x 0.00031; TOPMed 0.00110; gnomAD 0.00145; 1000 Genomes Project 0.00040; gnomAD exomes 0.00120 and 0.00113; ExAC 0.00139.
gnomAD v4.1: 1,830 of 1,593,902 alleles (0.11%); highest among the groups gnomAD compares: East Asian, 0.31%; 6 homozygotes.

Submissions 1 to 10 of 33:

CeGaT Center for Human Genetics Tuebingen
Classification: Likely benign. Last evaluated: 2026-09-01. Review status: criteria provided, single submitter. Criteria: CeGaT Center For Human Genetics Tuebingen Variant Classification Criteria Version 2. Collection method: clinical testing. Allele origin: germline. Affected: yes. Observed: 30 variant alleles.
Comment: NBN: BP4, BS1

Labcorp Genetics (formerly Invitae), Labcorp
Classification: Benign for Microcephaly, normal intelligence and immunodeficiency. Last evaluated: 2026-02-01. Review status: criteria provided, single submitter. Criteria: Invitae Variant Classification Sherloc (09022015). Collection method: clinical testing. Allele origin: germline.

ARUP Laboratories, Molecular Genetics and Genomics, ARUP Laboratories
Classification: Uncertain significance. Last evaluated: 2025-06-03. Review status: criteria provided, single submitter. Criteria: ARUP Molecular Germline Variant Investigation Process 2024. Collection method: clinical testing. Allele origin: germline.
Comment: The NBN c.511A>G;p.Ile171Val variant (rs61754966, ClinVar Variation ID: 6946) is reported in the literature in individuals with various cancers and is suggested to be associated with increased cancer development risk (Desjardins 2009, Gao 2013, Grajkowska 2009, Kaluzna 2015, Mosor 2013, Nowak 2008, Varon 2001). A homozygous occurrence of the variant was reported in a patient with aplastic anemia (Shimada 2004). However, this variant has also been described as occurring at a similar frequency in affected and unaffected individuals and shown to have no significant association with cancer risk (Bodian 2014, Kim 2015, Momozawa 2018, Zhang 2012). Another study reported the variant in six individuals affected with breast cancer, but a pathogenic variant in a different gene was also found that likely explains the phenotype in two individuals (Domagala 2015). The variant is found in the general population with an overall allele frequency of 0.15% (424/282680 alleles) in the Genome Aggregation Database (v2.1.1). Computational analyses are uncertain whether this variant is neutral or deleterious (REVEL: 0.398). Some functional studies do show a significant functional impairment (Tomioka 2021), while others show no significant change (Dzikiewicz-Krawczyk 2012). Due to conflicting information, it is unclear if this variant is benign or a low penetrance pathogenic allele. Therefore, the clinical significance of this variant is uncertain at this time. References: Bodian DL et al. Germline variation in cancer-susceptibility genes in a healthy, ancestrally diverse cohort: implications for individual genome sequencing. PLoS One. 2014 Apr 11;9(4):e94554. PMID: 24728327. Desjardins S et al. Variations in the NBN/NBS1 gene and the risk of breast cancer in non-BRCA1/2 French Canadian families with high risk of breast cancer. BMC Cancer. 2009 Jun 12;9:181. PMID: 19523210. Domagala P et al. Prevalence of Germline Mutations in Genes Engaged in DNA Damage Repair by Homologous Recombination in Patients with Triple-Negative and Hereditary Non-Triple-Negative Breast Cancers. PLoS One. 2015 Jun 17;10(6):e0130393. PMID: 26083025. Dzikiewicz-Krawczyk A et al. Impact of heterozygous c.657-661del, p.I171V and p.R215W mutations in NBN on nibrin functions. Mutagenesis. 2012 May;27(3):337-43. PMID: 22131123. Gao P et al. Functional variants in NBS1 and cancer risk: evidence from a meta-analysis of 60 publications with 111 individual studies. Mutagenesis. 2013 Nov;28(6):683-97. PMID: 24113799. Grajkowska W et al. Ganglioglioma associated with alterations of NBN gene. A case report. Folia Neuropathol. 2009;47(3):278-83. PMID: 19813148. Kaluzna EM et al. Heterozygous p.I171V mutation of the NBN gene as a risk factor for lung cancer development. Oncol Lett. 2015 Nov;10(5):3300-3304. PMID: 26722329. Kim H et al. Heterozygous germline mutations in NBS1 among Korean patients with high-risk breast cancer negative for BRCA1/2 mutation. Fam Cancer. 2015 Sep;14(3):365-71. PMID: 25712764. Kraus C et al. Gene panel sequencing in familial breast/ovarian cancer patients identifies multiple novel mutations also in genes others than BRCA1/2. Int J Cancer. 2017 Jan 1;140(1):95-102. Momozawa Y et al. Germline pathogenic variants of 11 breast cancer genes in 7,051 Japanese patients and 11,241 controls. Nat Commun. 2018 Oct 4;9(1):4083. PMID: 30287823. Mosor M et al. Germline variants in MRE11/RAD50/NBN complex genes in childhood leukemia. BMC Cancer. 2013 Oct 5;13:457. PMID: 27616075. Nowak J et al. Heterozygous carriers of the I171V mutation of the NBS1 gene have a significantly increased risk of solid malignant tumours. Eur J Cancer. 2008 Mar;44(4):627-30. PMID: 18280732. Shimada H et al. First case of aplastic anemia in a Japanese child with a homozygous missense mutation in the NBS1 gene (I171V) associated with genomic instability. Hum Genet. 2004 Oct;115(5):372-6. PMID: 15338273. Tomioka K et al. NBS1 I171V variant underlies individual differences in chromosomal radiosensitivity within human populations. Sci Rep. 2021 Oct 4;11(1):19661. PMID: 34608183. Varon R et al. Mutations in the Nijmegen Breakage Syndrome gene (NBS1) in childhood acute lymphoblastic leukemia (ALL). Cancer Res. 2001 May 1;61(9):3570-2. PMID: 11325820. Zhang ZH et al. Current evidence on the relationship between two polymorphisms in the NBS1 gene and breast cancer risk: a meta-analysis. Asian Pac J Cancer Prev. 2012;13(11):5375-9. PMID: 23317186.

PreventionGenetics, part of Exact Sciences
Classification: Likely benign for NBN-related condition. Last evaluated: 2025-03-28. Review status: criteria provided, single submitter. Criteria: ACMG Guidelines, 2015. Collection method: clinical testing. Allele origin: germline.
Comment: This variant is classified as likely benign based on ACMG/AMP sequence variant interpretation guidelines (Richards et al. 2015 PMID: 25741868, with internal and published modifications).

Laboratory of Genetics, Children's Clinical University Hospital Latvia
Classification: Benign. Last evaluated: 2025-02-16. Review status: criteria provided, single submitter. Criteria: ACMG Guidelines, 2015. Collection method: clinical testing. Allele origin: germline. Affected: yes.

Mayo Clinic Laboratories, Mayo Clinic
Classification: Benign. Last evaluated: 2025-02-11. Review status: criteria provided, single submitter. Criteria: ACMG Guidelines, 2015. Collection method: clinical testing. Allele origin: germline. Observed: 3 variant alleles.
Comment: BS1, BS2

Dasa
Classification: Likely benign. Last evaluated: 2024-12-18. Review status: criteria provided, single submitter. Criteria: DASA Assertion Criteria. Collection method: clinical testing. Allele origin: germline.
Comment: NM_002485.5(NBN):c.511A>G (p.Ile171Val) is a missense variant that results in the substitution of isoleucine with valine. Multiple computational predictions suggest no deleterious effect on the gene or gene product. Based on the available data, this variant is classified as likely benign.

Blueprint Genetics
Classification: Uncertain significance. Last evaluated: 2024-11-20. Review status: criteria provided, single submitter. Criteria: ACMG Guidelines, 2015. Collection method: clinical testing. Allele origin: germline.

Mendelics
Classification: Likely benign for Hereditary cancer. Last evaluated: 2024-01-23. Review status: criteria provided, single submitter. Criteria: ACMG Guidelines, 2015. Collection method: clinical testing. Allele origin: unknown.

Quest Diagnostics Nichols Institute San Juan Capistrano
Classification: Likely benign. Last evaluated: 2023-06-27. Review status: criteria provided, single submitter. Criteria: Quest Diagnostics criteria. Collection method: clinical testing. Allele origin: unknown.